The following is an entry in ClinVar:

NM_000257.4(MYH7):c.4991A>G (p.Asn1664Ser)

Genes: MHRT (myosin heavy chain associated RNA transcript; plus strand), MYH7 (myosin heavy chain 7; minus strand), LOC126861897 (BRD4-independent group 4 enhancer GRCh37_chr14:23884455-23885654; plus strand). Cytogenetic location: 14q11.2.
Variant type: single nucleotide variant.
Coding change: c.4991A>G on transcript NM_000257.4 (MANE Select); coding-DNA position 4991, A replaced by G.
Protein change: p.Asn1664Ser; replaces asparagine 1664 with serine.
Molecular consequence: missense variant. On other transcripts: non-coding transcript variant (1).
Genome position (GRCh38, 1-based): chr14:23,415,795, T>C on the plus strand (A>G on the coding strand, the complement: MYH7 is on the minus strand). VCF-style: chr14-23415795-T-C. GRCh37 (hg19) VCF-style: chr14-23885004-T-C.
Other names: short protein forms N1664S.
Identifiers: ClinVar variation 1418212 (VCV001418212.10), dbSNP rs1398693075, ClinGen allele CA389037184.
Genomic context (GRCh38, chr14:23,415,795, plus strand): 5'-TCAGCCTGCAGCAGGTTGTTGCGCCGCTCCACGATGGCGATGTTCTCCTTCAGGTCGTCG[T>C]TGGCACGGACTGCATCGTCCAGCTGAATCTGGGTGTCCTGAGGATCAGGAGAGTGGGCAT-3'
Protein context (NP_000248.2, residues 1654-1674): QIQLDDAVRA[Asn1664Ser]DDLKENIAIV

ClinVar aggregate classification (germline): Uncertain significance. Review status: criteria provided, multiple submitters, no conflicts (2 of 4 stars). 3 submissions from 3 submitters: Uncertain significance (3). Last evaluated 2023-04-20.

Conditions:
Hypertrophic cardiomyopathy. Also called: HYPERTROPHIC MYOCARDIOPATHY. Identifiers: Orphanet 217569, MedGen C0007194, MeSH D002312, MONDO:0005045, HP:0001639.
Cardiomyopathy (CMYO). Also called: Cardiomyopathies. Identifiers: Orphanet 167848, MedGen C0878544, MONDO:0004994, HP:0001638. Inheritance: Various modes of inheritance.

Allele frequency attached by ClinVar (database versions not stated): gnomAD exomes below 0.00001.
gnomAD v4.1: 1 of 1,614,198 alleles (0.000062%); highest among the groups gnomAD compares: South Asian, 0.0011%; no homozygotes.

Submissions (3):

Color Diagnostics, LLC DBA Color Health
Classification: Uncertain significance for Cardiomyopathy. Last evaluated: 2023-04-20. Review status: criteria provided, single submitter. Criteria: ACMG Guidelines, 2015. Collection method: clinical testing. Allele origin: germline.
Comment: This missense variant replaces asparagine with serine at codon 1664 of the MYH7 protein. Computational prediction suggests that this variant may not impact protein structure and function (internally defined REVEL score threshold <= 0.5, PMID: 27666373). To our knowledge, functional studies have not been reported for this variant. This variant has not been reported in individuals affected with MYH7-related disorders in the literature. This variant has been identified in 1/251436 chromosomes in the general population by the Genome Aggregation Database (gnomAD). The available evidence is insufficient to determine the role of this variant in disease conclusively. Therefore, this variant is classified as a Variant of Uncertain Significance.

Labcorp Genetics (formerly Invitae), Labcorp
Classification: Uncertain significance for Hypertrophic cardiomyopathy. Last evaluated: 2020-12-01. Review status: criteria provided, single submitter. Criteria: Invitae Variant Classification Sherloc (09022015). Collection method: clinical testing. Allele origin: germline.
Comment: This sequence change replaces asparagine with serine at codon 1664 of the MYH7 protein (p.Asn1664Ser). The asparagine residue is highly conserved and there is a small physicochemical difference between asparagine and serine. In summary, the available evidence is currently insufficient to determine the role of this variant in disease. Therefore, it has been classified as a Variant of Uncertain Significance. Algorithms developed to predict the effect of missense changes on protein structure and function are either unavailable or do not agree on the potential impact of this missense change (SIFT: "Deleterious"; PolyPhen-2: "Benign"; Align-GVGD: "Class C0"). This variant has not been reported in the literature in individuals with MYH7-related conditions. This variant is not present in population databases (ExAC no frequency).

Blueprint Genetics
Classification: Uncertain significance. Last evaluated: 2020-09-21. Review status: criteria provided, single submitter. Criteria: ACMG Guidelines, 2015. Collection method: clinical testing. Allele origin: germline.